The following is an entry in ClinVar:

NC_000023.10:g.(?_83126460)_(86924394_?)del

Genes: APOOL (apolipoprotein O like; plus strand), CHM (CHM Rab escort protein; minus strand), CYLC1 (cylicin 1; plus strand), DACH2 (dachshund family transcription factor 2; plus strand), HDX (highly divergent homeobox; minus strand) and 5 more. Cytogenetic location: Xq21.1-21.31.
Variant type: Deletion.
Identifiers: ClinVar variation 831865 (VCV000831865.1).

ClinVar aggregate classification (germline): Pathogenic (1 of 4 stars; one submission).

Submission:

Labcorp Genetics (formerly Invitae), Labcorp
Classification: Pathogenic. Last evaluated: 2019-09-07. Review status: criteria provided, single submitter. Criteria: Invitae Variant Classification Sherloc (09022015). Collection method: clinical testing. Allele origin: germline.
Comment: A gross deletion of the genomic region encompassing the full coding sequence of the CHM gene has been identified. The boundaries of this event are unknown as the deletion extends beyond the assayed region for this gene and therefore may encompass additional genes. A similar deletion has been observed in several individuals affected with choroideremia (PMID: 26133251, 7981671, 21905166, 23811034) and segregated with choroideremia in several families (PMID: 8749050, 17698759). Larger deletions involving this and neighboring genes have also been reported in families with choroideremia, deafness, and mental retardation (PMID: 3476958). Loss-of-function variants in CHM are known to be pathogenic (PMID: 9067750, 23811034). For these reasons, this variant has been classified as Pathogenic.

Literature cited by the submitters: PubMed 21905166; PubMed 8749050; PubMed 23811034; PubMed 26133251; PubMed 17698759; PubMed 7981671; PubMed 3476958.